The following is an entry in ClinVar:

ClinVar aggregate classification (germline): Benign/Likely benign. Review status: criteria provided, multiple submitters, no conflicts (2 of 4 stars). 2 submissions from 2 submitters: Benign (1); Likely benign (1). Last evaluated 2026-09-01.

gnomAD v4.1: 946 of 1,614,058 alleles (0.059%); highest among the groups gnomAD compares: African/African-American, 0.061%; 4 homozygotes.

Submissions (2):

CeGaT Center for Human Genetics Tuebingen
Classification: Likely benign. Last evaluated: 2026-09-01. Review status: criteria provided, single submitter. Criteria: CeGaT Center For Human Genetics Tuebingen Variant Classification Criteria Version 2. Collection method: clinical testing. Allele origin: germline. Affected: yes. Observed: 1 variant allele.
Comment: GPR161: BP4, BP7

Labcorp Genetics (formerly Invitae), Labcorp
Classification: Benign. Last evaluated: 2025-09-24. Review status: criteria provided, single submitter. Criteria: Invitae Variant Classification Sherloc (09022015). Collection method: clinical testing. Allele origin: germline.

NM_001375883.1(GPR161):c.711C>T (p.Thr237=)

Gene: GPR161 (G protein-coupled receptor 161; minus strand). Cytogenetic location: 1q24.2.
Variant type: single nucleotide variant.
Coding change: c.711C>T on transcript NM_001375883.1 (MANE Select); coding-DNA position 711, C replaced by T.
Protein change: p.Thr237=; no amino-acid change (threonine 237 retained).
Molecular consequence: synonymous variant.
Genome position (GRCh38, 1-based): chr1:168,096,896, G>A on the plus strand (C>T on the coding strand, the complement: GPR161 is on the minus strand). VCF-style: chr1-168096896-G-A. GRCh37 (hg19) VCF-style: chr1-168066134-G-A.
Other names: c.771C>T, p.Thr257= (NM_001267609.1); c.711C>T, p.Thr237= (NM_001267610.2, NM_001349632.1, NM_001349633.1 and 5 more transcripts); c.762C>T, p.Thr254= (NM_001267611.1); c.315C>T, p.Thr105= (NM_001267612.2, NM_001349635.1); c.477C>T, p.Thr159= (NM_001267613.1); c.369C>T, p.Thr123= (NM_001267614.1).
Identifiers: ClinVar variation 3668938 (VCV003668938.3).